The following is an entry in ClinVar:

ClinVar aggregate classification (germline): Uncertain significance (1 of 4 stars; one submission).

Allele frequency attached by ClinVar (database versions not stated): gnomAD exomes below 0.00001.
gnomAD v4.1: 4 of 1,613,102 alleles (0.00025%); highest among the groups gnomAD compares: Middle Eastern, 0.033%; no homozygotes.

Submission:

Labcorp Genetics (formerly Invitae), Labcorp
Classification: Uncertain significance. Last evaluated: 2022-10-04. Review status: criteria provided, single submitter. Criteria: Invitae Variant Classification Sherloc (09022015). Collection method: clinical testing. Allele origin: germline.
Comment: Advanced modeling of protein sequence and biophysical properties (such as structural, functional, and spatial information, amino acid conservation, physicochemical variation, residue mobility, and thermodynamic stability) performed at Invitae indicates that this missense variant is not expected to disrupt SRCAP protein function. This variant has not been reported in the literature in individuals affected with SRCAP-related conditions. This variant is not present in population databases (gnomAD no frequency). This sequence change replaces alanine, which is neutral and non-polar, with valine, which is neutral and non-polar, at codon 456 of the SRCAP protein (p.Ala456Val). In summary, the available evidence is currently insufficient to determine the role of this variant in disease. Therefore, it has been classified as a Variant of Uncertain Significance.

NM_006662.3(SRCAP):c.1367C>T (p.Ala456Val)

Gene: SRCAP (Snf2 related CREBBP activator protein; plus strand). Cytogenetic location: 16p11.2.
Variant type: single nucleotide variant.
Coding change: c.1367C>T on transcript NM_006662.3 (MANE Select); coding-DNA position 1367, C replaced by T.
Protein change: p.Ala456Val; replaces alanine 456 with valine.
Molecular consequence: missense variant.
Genome position (GRCh38, 1-based): chr16:30,711,619, C>T. VCF-style: chr16-30711619-C-T. GRCh37 (hg19) VCF-style: chr16-30722940-C-T.
Other names: short protein forms A456V.
Identifiers: ClinVar variation 1716929 (VCV001716929.5), dbSNP rs2506628075, ClinGen allele CA395603541.